The following is an entry in ClinVar:

NM_177438.3(DICER1):c.1018C>A (p.Leu340Met)

Gene: DICER1 (dicer 1, ribonuclease III; minus strand). Cytogenetic location: 14q32.13.
Variant type: single nucleotide variant.
Coding change: c.1018C>A on transcript NM_177438.3 (MANE Select); coding-DNA position 1018, C replaced by A.
Protein change: p.Leu340Met; replaces leucine 340 with methionine.
Molecular consequence: missense variant. On other transcripts: 5 prime UTR variant (1), non-coding transcript variant (6).
Genome position (GRCh38, 1-based): chr14:95,124,554, G>T on the plus strand (C>A on the coding strand, the complement: DICER1 is on the minus strand). VCF-style: chr14-95124554-G-T. GRCh37 (hg19) VCF-style: chr14-95590891-G-T.
Other names: c.1018C>A, p.Leu340Met (NM_001195573.1, NM_001271282.3, NM_001291628.2 and 15 more transcripts); c.736C>A, p.Leu246Met (NM_001395686.1); c.613C>A, p.Leu205Met (NM_001395687.1, NM_001395688.1, NM_001395689.1 and 3 more transcripts); c.451C>A, p.Leu151Met (NM_001395691.1); c.-551C>A (NM_001395697.1); short protein forms L205M, L151M, L340M, L246M.
Identifiers: ClinVar variation 2752946 (VCV002752946.3), dbSNP rs2140206746, ClinGen allele CA390887149.

ClinVar aggregate classification (germline): Uncertain significance (1 of 4 stars; one submission).

Conditions:
DICER1-related tumor predisposition. Also called: DICER1-related pleuropulmonary blastoma cancer predisposition syndrome; DICER1 syndrome. Identifiers: Orphanet 284343, MedGen C3839822, MONDO:0100216.

Submission:

Labcorp Genetics (formerly Invitae), Labcorp
Classification: Uncertain significance for DICER1-related tumor predisposition. Last evaluated: 2023-09-07. Review status: criteria provided, single submitter. Criteria: Invitae Variant Classification Sherloc (09022015). Collection method: clinical testing. Allele origin: germline.
Comment: This sequence change replaces leucine, which is neutral and non-polar, with methionine, which is neutral and non-polar, at codon 340 of the DICER1 protein (p.Leu340Met). In summary, the available evidence is currently insufficient to determine the role of this variant in disease. Therefore, it has been classified as a Variant of Uncertain Significance. Advanced modeling of protein sequence and biophysical properties (such as structural, functional, and spatial information, amino acid conservation, physicochemical variation, residue mobility, and thermodynamic stability) performed at Invitae indicates that this missense variant is not expected to disrupt DICER1 protein function. This variant has not been reported in the literature in individuals affected with DICER1-related conditions. This variant is not present in population databases (gnomAD no frequency).